The following is an entry in ClinVar:

NM_001267550.2(TTN):c.18943G>A (p.Val6315Met)

Genes: TTN (titin; minus strand), LOC126806430 (BRD4-independent group 4 enhancer GRCh37_chr2:179593794-179594993; plus strand). Cytogenetic location: 2q31.2.
Variant type: single nucleotide variant.
Coding change: c.18943G>A on transcript NM_001267550.2 (MANE Select); coding-DNA position 18943, G replaced by A.
Protein change: p.Val6315Met; replaces valine 6315 with methionine.
Molecular consequence: missense variant. On other transcripts: intron variant (3).
Genome position (GRCh38, 1-based): chr2:178,729,095, C>T on the plus strand (G>A on the coding strand, the complement: TTN is on the minus strand). VCF-style: chr2-178729095-C-T. GRCh37 (hg19) VCF-style: chr2-179593822-C-T.
Other names: c.17992G>A, p.Val5998Met (NM_001256850.1); c.15211G>A, p.Val5071Met (NM_133378.4); c.13282+8987G>A (NM_003319.4); c.13858+8987G>A (NM_133437.4); c.13657+8987G>A (NM_133432.3); short protein forms V5071M, V6315M, V5998M.
Identifiers: ClinVar variation 437098 (VCV000437098.7), dbSNP rs770552574, ClinGen allele CA2001493.
Genomic context (GRCh38, chr2:178,729,095, plus strand): 5'-CTTCATCAAGAATCTGATCATCCTTTAGCCAGGTTATAGAAATAGGAGGAGAACCTGCCA[C>T]GGTACTCTGAAAGGTGGCAGAACTTTTCAAAACAGTAGTGGTATTTTCTATCTTCTTAAT-3'
Protein context (NP_001254479.2, residues 6305-6325): LKSSATFQST[Val6315Met]AGSPPISITW

ClinVar aggregate classification (germline): Uncertain significance. Review status: criteria provided, single submitter (1 of 4 stars). 2 submissions from 2 submitters: Uncertain significance (1). 1 of the submissions does not count toward it. Last evaluated 2016-09-23.

Conditions:
TTN-related disorder. Also called: TTN-related condition; TTN-related disease; TTN-related disorders.

Allele frequency attached by ClinVar (database versions not stated): ExAC 0.00001; gnomAD exomes 0.00001 and 0.00002; TOPMed 0.00001.
gnomAD v4.1: 20 of 1,611,590 alleles (0.0012%); highest among the groups gnomAD compares: East Asian, 0.0045%; no homozygotes.

Submissions (2):

Genetic Services Laboratory, University of Chicago
Classification: Uncertain significance. Last evaluated: 2016-09-23. Review status: criteria provided, single submitter. Criteria: ACMG Guidelines, 2015. Collection method: clinical testing. Allele origin: germline. Affected: no.

PreventionGenetics, part of Exact Sciences
Classification: Uncertain significance for TTN-related condition. Last evaluated: 2024-09-25. Review status: no assertion criteria provided. Collection method: clinical testing. Allele origin: germline. Not counted in ClinVar's aggregate classification.
Comment: The TTN c.18943G>A variant is predicted to result in the amino acid substitution p.Val6315Met. This variant was reported to occur de novo in a cohort study of individuals with developmental disorders; however pathogenicity was not established (Supp. Table 1 Kaplanis et al. 2020. PubMed ID: 33057194; Supp Table 2 Turner et al. 2019. PubMed ID: 31785789; McRae et al. 2017. PubMed ID: 28135719). This variant is reported in 0.011% of alleles in individuals of East Asian descent in gnomAD. At this time, the clinical significance of this variant is uncertain due to the absence of conclusive functional and genetic evidence.